The following is an entry in ClinVar:

ClinVar aggregate classification (germline): Uncertain significance. Review status: criteria provided, multiple submitters, no conflicts (2 of 4 stars). 3 submissions from 3 submitters: Uncertain significance (3). Last evaluated 2025-03-11.

Conditions:
Dyskeratosis congenita. Identifiers: Orphanet 1775, MedGen C0265965, MONDO:0015780.

Submissions (3):

Dasa
Classification: Uncertain significance. Last evaluated: 2025-03-11. Review status: criteria provided, single submitter. Criteria: DASA Assertion Criteria. Collection method: clinical testing. Allele origin: germline.
Comment: NM_025099.6(CTC1):c.1673_1675del (p.Glu558del) is an in-frame deletion predicted to remove glutamic acid at protein position 558 without shifting the reading frame. This variant is rare in population databases. The currently available literature and clinical evidence are not sufficient to establish a definitive association between this variant and the reported condition. Therefore, this variant is classified as a variant of uncertain significance.

Labcorp Genetics (formerly Invitae), Labcorp
Classification: Uncertain significance for Dyskeratosis congenita. Last evaluated: 2022-10-18. Review status: criteria provided, single submitter. Criteria: Invitae Variant Classification Sherloc (09022015). Collection method: clinical testing. Allele origin: germline.
Comment: This variant, c.1673_1675del, results in the deletion of 1 amino acid(s) of the CTC1 protein (p.Glu558del), but otherwise preserves the integrity of the reading frame. The frequency data for this variant in the population databases is considered unreliable, as metrics indicate poor data quality at this position in the gnomAD database. This variant has not been reported in the literature in individuals affected with CTC1-related conditions. ClinVar contains an entry for this variant (Variation ID: 938983). Experimental studies and prediction algorithms are not available or were not evaluated, and the functional significance of this variant is currently unknown. In summary, the available evidence is currently insufficient to determine the role of this variant in disease. Therefore, it has been classified as a Variant of Uncertain Significance.

Genetic Services Laboratory, University of Chicago
Classification: Uncertain significance. Last evaluated: 2019-08-27. Review status: criteria provided, single submitter. Criteria: ACMG Guidelines, 2015. Collection method: clinical testing. Allele origin: germline. Affected: no.

NM_025099.6(CTC1):c.1667AAG[2] (p.Glu558del)

Gene: CTC1 (CST telomere replication complex component 1; minus strand). Cytogenetic location: 17p13.1.
Variant type: Microsatellite.
Coding change: c.1667AAG[2] on transcript NM_025099.6 (MANE Select); two copies in a row of the 3-base unit AAG starting at c.1667; the reference has three copies in a row; one copy, 3 bases deleted; also written c.1673_1675del.
Protein change: p.Glu558del; deletes glutamic acid 558.
Molecular consequence: inframe deletion. On other transcripts: non-coding transcript variant (1).
Genome position (GRCh38, 1-based): chr17:8,234,598-8,234,600, CTT deleted on the plus strand (AAG on the coding strand, the reverse complement: CTC1 is on the minus strand); deleting any 3 consecutive bases within chr17:8,234,598-8,234,606 gives the same sequence; the position shown is the placement nearest the transcript's 3' end. VCF-style (leftmost placement, unchanged base first): chr17-8234597-CCTT-C. GRCh37 (hg19) VCF-style: chr17-8137915-CCTT-C.
Other names: c.1673_1675del (NM_025099.6); short protein forms E558del.
Identifiers: ClinVar variation 938983 (VCV000938983.12), dbSNP rs756079894, ClinGen allele CA8372279.